The following is an entry in ClinVar:

NM_004329.3(BMPR1A):c.1342+2T>G

Gene: BMPR1A (bone morphogenetic protein receptor type 1A; plus strand). Cytogenetic location: 10q23.2.
Variant type: single nucleotide variant.
Coding change: c.1342+2T>G on transcript NM_004329.3 (MANE Select); the canonical splice donor site of the intron after coding-DNA position 1342, T replaced by G.
Molecular consequence: splice donor variant.
Genome position (GRCh38, 1-based): chr10:86,921,697, T>G. VCF-style: chr10-86921697-T-G. GRCh37 (hg19) VCF-style: chr10-88681454-T-G.
Other names: c.1342+2T>G (NM_001406562.1, NM_001406568.1, NM_001406567.1 and 19 more transcripts); c.1258+2T>G (NM_001406584.1, NM_001406588.1, NM_001406587.1 and 2 more transcripts); c.1390+2T>G (NM_001406560.1); c.1417+2T>G (NM_001406559.1); c.1336+2T>G (NM_001406583.1); c.1000+2T>G (NM_001406589.1).
Identifiers: ClinVar variation 657706 (VCV000657706.8), dbSNP rs1589292746, ClinGen allele CA377462473.
Genomic context (GRCh38, chr10:86,921,697, plus strand): 5'-TGACATCTACAGCTTCGGCCTAATCATTTGGGAGATGGCTCGTCGTTGTATCACAGGAGG[T>G]GGGAGTTTGAGTAGTTTCTGATTATGTTGATTTACTCATCATTTTAAAAATAACAGCTCC-3'

ClinVar aggregate classification (germline): Likely pathogenic (1 of 4 stars; one submission).

Conditions:
Juvenile polyposis syndrome (JPS). Identifiers: Orphanet 2929, MedGen C0345893, MONDO:0017380, OMIM 174900.

Submission:

Labcorp Genetics (formerly Invitae), Labcorp
Classification: Likely pathogenic for Juvenile polyposis syndrome. Last evaluated: 2018-12-26. Review status: criteria provided, single submitter. Criteria: Invitae Variant Classification Sherloc (09022015). Collection method: clinical testing. Allele origin: germline.
Comment: This sequence change affects a donor splice site in intron 11 of the BMPR1A gene. It is expected to disrupt RNA splicing and likely results in an absent or disrupted protein product. This variant is not present in population databases (ExAC no frequency). This variant has not been reported in the literature in individuals with BMPR1A-related conditions. Donor and acceptor splice site variants typically lead to a loss of protein function (PMID: 16199547), and loss-of-function variants in BMPR1A are known to be pathogenic (PMID: 11536076, 12417513). In summary, the currently available evidence indicates that the variant is pathogenic, but additional data are needed to prove that conclusively. Therefore, this variant has been classified as Likely Pathogenic.

Literature cited by the submitters: PubMed 16199547; PubMed 11536076; PubMed 12417513.